The following is an entry in ClinVar:

NM_000059.4(BRCA2):c.9284A>G (p.Asp3095Gly)

Gene: BRCA2 (BRCA2 DNA repair associated; plus strand). Cytogenetic location: 13q13.1.
Variant type: single nucleotide variant.
Coding change: c.9284A>G on transcript NM_000059.4 (MANE Select); coding-DNA position 9284, A replaced by G.
Protein change: p.Asp3095Gly; replaces aspartic acid 3095 with glycine.
Molecular consequence: missense variant.
Genome position (GRCh38, 1-based): chr13:32,394,716, A>G. VCF-style: chr13-32394716-A-G. GRCh37 (hg19) VCF-style: chr13-32968853-A-G.
Other names: short protein forms D3095G.
Identifiers: ClinVar variation 409512 (VCV000409512.20), dbSNP rs1060502443, ClinGen allele CA16614398.

ClinVar aggregate classification (germline): Conflicting classifications of pathogenicity. Review status: criteria provided, conflicting classifications (1 of 4 stars). 5 submissions from 5 submitters: Pathogenic (3); Likely pathogenic (1); Uncertain significance (1). Last evaluated 2025-08-12.

Conditions:
Hereditary breast ovarian cancer syndrome. Also called: Hereditary breast and ovarian cancer; Hereditary breast and/or ovarian cancer syndrome; BRCA1- and BRCA2-Associated Hereditary Breast and Ovarian Cancer; Hereditary breast and ovarian cancer syndrome; Hereditary breast and ovarian cancer syndrome (HBOC); Breast and ovarian cancer. Identifiers: Orphanet 145, MedGen C0677776, MeSH D061325, MONDO:0003582. Disease mechanism: loss of function.
Hereditary cancer-predisposing syndrome. Also called: Tumor predisposition; Hereditary Cancer Syndrome; Hereditary neoplastic syndrome; Neoplastic Syndromes, Hereditary. Identifiers: Orphanet 140162, MedGen C0027672, MeSH D009386, MONDO:0015356.

Submissions (5):

German Consortium for Hereditary Breast and Ovarian Cancer, University Hospital Cologne
Classification: Uncertain significance for Hereditary breast ovarian cancer syndrome. Last evaluated: 2025-08-12. Review status: criteria provided, single submitter. Criteria: ClinGen BRCA2 V1.1.0. Collection method: curation. Allele origin: germline.
Comment: This classification follows the ClinGen ENIGMA BRCA2 v1.1.0 classification scheme; We chose these criteria: PS3 (strong pathogenic): Reported by two calibrated studies to exhibit protein function similar to pathogenic control variants (PMIDs:29988080, 33609447), PM2 (supporting pathogenic): absent from gnomAD v4/3/2

Labcorp Genetics (formerly Invitae), Labcorp
Classification: Pathogenic for Hereditary breast ovarian cancer syndrome. Last evaluated: 2024-12-21. Review status: criteria provided, single submitter. Criteria: Invitae Variant Classification Sherloc (09022015). Collection method: clinical testing. Allele origin: germline.
Comment: This sequence change replaces aspartic acid, which is acidic and polar, with glycine, which is neutral and non-polar, at codon 3095 of the BRCA2 protein (p.Asp3095Gly). This variant is not present in population databases (gnomAD no frequency). This missense change has been observed in individual(s) with breast cancer (internal data). It has also been observed to segregate with disease in related individuals. ClinVar contains an entry for this variant (Variation ID: 409512). Invitae Evidence Modeling incorporating data from in vitro experimental studies (PMID: 33609447) indicates that this missense variant is expected to disrupt BRCA2 function with a positive predictive value of 95%. This variant disrupts the p.Asp3095 amino acid residue in BRCA2. Other variant(s) that disrupt this residue have been determined to be pathogenic (PMID: 18451181, 18951446, 22678057). This suggests that this residue is clinically significant, and that variants that disrupt this residue are likely to be disease-causing. For these reasons, this variant has been classified as Pathogenic.

ARUP Laboratories, Molecular Genetics and Genomics, ARUP Laboratories
Classification: Likely pathogenic. Last evaluated: 2024-05-01. Review status: criteria provided, single submitter. Criteria: ARUP Molecular Germline Variant Investigation Process 2024. Collection method: clinical testing. Allele origin: germline.
Comment: The BRCA2 c.9284A>G; p.Asp3095Gly variant (rs1060502443, ClinVar variation ID: 409512) is reported in the literature in one individual affected with breast cancer (Tung 2015). This variant is absent from the Genome Aggregation Database (v2.1.1), indicating it is not a common polymorphism. Additionally, other variants at this codon (c.9285C>G, p.Asp3095Glu) have been reported in individuals with cancer and are considered pathogenic (Guidugli 2013). In vitro functional analyses demonstrate significantly reduced homology-directed repair activity similar to other pathogenic variants (Richardson 2021). This variant is located within the BRCA2 DNA binding domain (aa2481-3186), but computational analyses predict that this variant is uninformative (BayesDel: 0.201). Based on available information, this variant is considered to be likely pathogenic. References: Guidugli L et al. A classification model for BRCA2 DNA binding domain missense variants based on homology-directed repair activity. Cancer Res. 2013 Jan 1;73(1):265-75. PMID: 23108138. Richardson ME et al. Strong functional data for pathogenicity or neutrality classify BRCA2 DNA-binding-domain variants of uncertain significance. Am J Hum Genet. 2021 Mar 4;108(3):458-468. PMID: 33609447.

Women's Health and Genetics/Laboratory Corporation of America, LabCorp
Classification: Pathogenic for Hereditary breast ovarian cancer syndrome. Last evaluated: 2023-11-03. Review status: criteria provided, single submitter. Criteria: LabCorp Variant Classification Summary - May 2015. Collection method: clinical testing. Allele origin: germline.
Comment: Variant summary: BRCA2 c.9284A>G (p.Asp3095Gly) results in a non-conservative amino acid change located in the 3rd oligonucleotide binding (OB) fold (IPR015188), which is part of the DNA-binding domain of the encoded protein sequence. Five of five in-silico tools predict a damaging effect of the variant on protein function. The variant was absent in 250672 control chromosomes (gnomAD). c.9284A>G has been reported in the literature in individuals affected with Hereditary Breast And Ovarian Cancer Syndrome (e.g., Tung_2014, Dorling_2021). At least one publication reports experimental evidence evaluating an impact on protein function (e.g., Richardson_2021). The results of this study showed the variant to be non-functional in a homology directed repair (HDR) activity assay. HDR assays qualify as a recognized gold standard on the basis of updated guidance provided by the ClinGen Sequence Variant Interpretation (SVI) working group (PMID: 31892348). ClinGen SVI now recognizes benign functional evidence as sufficient for categorization as likely benign (PMID: 29300386). The following publications have been ascertained in the context of this evaluation (PMID: 33609447, 25186627, 33471991). Three submitters have reported clinical-significance assessments for this variant to ClinVar after 2014, classifying the variant as pathogenic (n = 1), likely pathogenic (n = 1), and uncertain significance (n = 1). Additionally, a different missense variant affecting the same codon, namely c.9285C>G (p.Asp3095Glu), has been classified as pathogenic by our lab.Based on the evidence outlined above, the variant was classified as pathogenic.

Ambry Genetics
Classification: Pathogenic for Hereditary cancer-predisposing syndrome. Last evaluated: 2023-05-26. Review status: criteria provided, single submitter. Criteria: Ambry Variant Classification Scheme 2023. Collection method: clinical testing. Allele origin: germline.
Comment: The p.D3095G pathogenic mutation (also known as c.9284A>G), located in coding exon 24 of the BRCA2 gene, results from an A to G substitution at nucleotide position 9284. The aspartic acid at codon 3095 is replaced by glycine, an amino acid with very few similar properties. A close-match alteration at this same codon, p.D3095E, is considered pathogenic (Ambry internal data). This alteration was non-functional in a homology-directed DNA repair (HDR) assay (Ambry internal data). This variant segregated with breast cancer in several members of the same family (Ambry internal data). This variant was not reported in population-based cohorts in the Genome Aggregation Database (gnomAD) (Lek M et al. Nature, 2016 08;536:285-91).This amino acid position is highly conserved in available vertebrate species. In addition, this alteration is predicted to be deleterious by in silico analysis. Based on the majority of available evidence to date, this variant is considered a disease-causing mutation.

Literature cited by the submitters: PubMed 33609447 (cited by Labcorp Genetics (formerly Invitae), Labcorp and Women's Health and Genetics/Laboratory Corporation of America, LabCorp); PubMed 18451181 (cited by Labcorp Genetics (formerly Invitae), Labcorp); PubMed 18951446 (cited by Labcorp Genetics (formerly Invitae), Labcorp); PubMed 22678057 (cited by Labcorp Genetics (formerly Invitae), Labcorp); PubMed 25186627 (cited by Women's Health and Genetics/Laboratory Corporation of America, LabCorp); PubMed 33471991 (cited by Women's Health and Genetics/Laboratory Corporation of America, LabCorp); PubMed 29394989 (cited by Ambry Genetics).